The following is an entry in ClinVar:

ClinVar aggregate classification (germline): Uncertain significance (1 of 4 stars; one submission).

Submission:

Labcorp Genetics (formerly Invitae), Labcorp
Classification: Uncertain significance. Last evaluated: 2022-09-01. Review status: criteria provided, single submitter. Criteria: Invitae Variant Classification Sherloc (09022015). Collection method: clinical testing. Allele origin: germline.
Comment: In summary, the available evidence is currently insufficient to determine the role of this variant in disease. Therefore, it has been classified as a Variant of Uncertain Significance. Algorithms developed to predict the effect of missense changes on protein structure and function output the following: SIFT: "Tolerated"; PolyPhen-2: "Benign"; Align-GVGD: "Class C0". The arginine amino acid residue is found in multiple mammalian species, which suggests that this missense change does not adversely affect protein function. ClinVar contains an entry for this variant (Variation ID: 1394667). This variant has not been reported in the literature in individuals affected with OSTM1-related conditions. This variant is not present in population databases (gnomAD no frequency). This sequence change replaces tryptophan, which is neutral and slightly polar, with arginine, which is basic and polar, at codon 25 of the OSTM1 protein (p.Trp25Arg).

NM_014028.4(OSTM1):c.73T>C (p.Trp25Arg)

Genes: OSTM1 (osteoclastogenesis associated transmembrane protein 1; minus strand), LOC129996933 (ATAC-STARR-seq lymphoblastoid silent region 17446; plus strand). Cytogenetic location: 6q21.
Variant type: single nucleotide variant.
Coding change: c.73T>C on transcript NM_014028.4 (MANE Select); coding-DNA position 73, T replaced by C.
Protein change: p.Trp25Arg; replaces tryptophan 25 with arginine.
Molecular consequence: missense variant.
Genome position (GRCh38, 1-based): chr6:108,074,579, A>G on the plus strand (T>C on the coding strand, the complement: OSTM1 is on the minus strand). VCF-style: chr6-108074579-A-G. GRCh37 (hg19) VCF-style: chr6-108395783-A-G.
Other names: short protein forms W25R.
Identifiers: ClinVar variation 1394667 (VCV001394667.6), dbSNP rs2114616628, ClinGen allele CA365331421.
Genomic context (GRCh38, chr6:108,074,579, plus strand): 5'-CGTGGAAGACCCTGTGCGGACTGCTGCCGAAGGGGAGCGCGCCCAGGGCCAGCCCCGACC[A>G]CAGCAGCAGCCCCAGCGGCAGCCACGGCGGCAACGAACACCTCCGCTGCGCGGCTGTCGG-3'
Protein context (NP_054747.2, residues 15-35): PPWLPLGLLL[Trp25Arg]SGLALGALPF